The following is an entry in ClinVar:

NM_001145418.2(TTC28):c.3015C>T (p.Gly1005=)

Gene: TTC28 (tetratricopeptide repeat domain 28; minus strand). Cytogenetic location: 22q12.1.
Variant type: single nucleotide variant.
Coding change: c.3015C>T on transcript NM_001145418.2 (MANE Select); coding-DNA position 3015, C replaced by T.
Protein change: p.Gly1005=; no amino-acid change (glycine 1005 retained).
Molecular consequence: synonymous variant.
Genome position (GRCh38, 1-based): chr22:28,105,571, G>A on the plus strand (C>T on the coding strand, the complement: TTC28 is on the minus strand). VCF-style: chr22-28105571-G-A. GRCh37 (hg19) VCF-style: chr22-28501559-G-A.
Other names: c.3015C>T, p.Gly1005= (NM_001393403.1); c.2661C>T, p.Gly887= (NM_001393404.1, NM_001393405.1).
Identifiers: ClinVar variation 3051477 (VCV003051477.2), dbSNP rs1163692202, ClinGen allele CA514178485.
Genomic context (GRCh38, chr22:28,105,571, plus strand): 5'-CTGTAGATCAAGCTGGTGGTACTGCAGGGCTGTGTCATACTCCCCCATCTGCTGGTAAAC[G>A]CCCCCCAGGCCACAGGCTGCGTCACTCTCCAGGGCTCGGTCTTTCATATCTCTAGCAATG-3'
Protein context (NP_001138890.1, residues 995-1015): LESDAACGLG[Gly1005=]VYQQMGEYDT

ClinVar aggregate classification (germline): Likely benign (0 of 4 stars; one submission).

Conditions:
TTC28-related disorder. Also called: TTC28-related condition.

Allele frequency attached by ClinVar (database versions not stated): gnomAD 0.00001; gnomAD exomes 0.00001.
gnomAD v4.1: 15 of 1,551,544 alleles (0.00097%); highest among the groups gnomAD compares: East Asian, 0.0024%; no homozygotes.

Submission:

PreventionGenetics, part of Exact Sciences
Classification: Likely benign for TTC28-related condition. Last evaluated: 2020-01-09. Review status: no assertion criteria provided. Collection method: clinical testing. Allele origin: germline.
Comment: This variant is classified as likely benign based on ACMG/AMP sequence variant interpretation guidelines (Richards et al. 2015 PMID: 25741868, with internal and published modifications).